The following is an entry in ClinVar:

ClinVar aggregate classification (germline): Uncertain significance (1 of 4 stars; one submission).

Conditions:
Familial cancer of breast. Also called: hereditary breast carcinoma; BREAST CANCER, FAMILIAL; Hereditary breast cancer. Identifiers: Orphanet 227535, MedGen C0346153, MONDO:0016419, OMIM 114480. Disease mechanism: loss of function.
Fanconi anemia complementation group J. Also called: BRIP1-Related Fanconi Anemia. Identifiers: Orphanet 84, MedGen C1836860, MONDO:0012187, OMIM 609054.

Submission:

Labcorp Genetics (formerly Invitae), Labcorp
Classification: Uncertain significance for Familial cancer of breast; Fanconi anemia complementation group J. Last evaluated: 2019-03-18. Review status: criteria provided, single submitter. Criteria: Invitae Variant Classification Sherloc (09022015). Collection method: clinical testing. Allele origin: germline.
Comment: This sequence change replaces serine with proline at codon 269 of the BRIP1 protein (p.Ser269Pro). The serine residue is highly conserved and there is a moderate physicochemical difference between serine and proline. This variant is not present in population databases (ExAC no frequency). This variant has not been reported in the literature in individuals with BRIP1-related conditions. Algorithms developed to predict the effect of missense changes on protein structure and function are either unavailable or do not agree on the potential impact of this missense change (SIFT: "Tolerated"; PolyPhen-2: "Probably Damaging"; Align-GVGD: "Class C0"). In summary, the available evidence is currently insufficient to determine the role of this variant in disease. Therefore, it has been classified as a Variant of Uncertain Significance.

NM_032043.3(BRIP1):c.805T>C (p.Ser269Pro)

Gene: BRIP1 (BRCA1 interacting DNA helicase 1; minus strand). Cytogenetic location: 17q23.2.
Variant type: single nucleotide variant.
Coding change: c.805T>C on transcript NM_032043.3 (MANE Select); coding-DNA position 805, T replaced by C.
Protein change: p.Ser269Pro; replaces serine 269 with proline.
Molecular consequence: missense variant.
Genome position (GRCh38, 1-based): chr17:61,808,580, A>G on the plus strand (T>C on the coding strand, the complement: BRIP1 is on the minus strand). VCF-style: chr17-61808580-A-G. GRCh37 (hg19) VCF-style: chr17-59885941-A-G.
Other names: short protein forms S269P.
Identifiers: ClinVar variation 849160 (VCV000849160.10), dbSNP rs2078110345, ClinGen allele CA400484878.